The following is an entry in ClinVar:

NM_006254.4(PRKCD):c.1211C>G (p.Ala404Gly)

Gene: PRKCD (protein kinase C delta; plus strand). Cytogenetic location: 3p21.1.
Variant type: single nucleotide variant.
Coding change: c.1211C>G on transcript NM_006254.4 (MANE Select); coding-DNA position 1211, C replaced by G.
Protein change: p.Ala404Gly; replaces alanine 404 with glycine.
Molecular consequence: missense variant.
Genome position (GRCh38, 1-based): chr3:53,186,291, C>G. VCF-style: chr3-53186291-C-G. GRCh37 (hg19) VCF-style: chr3-53220307-C-G.
Other names: c.1211C>G, p.Ala404Gly (NM_001316327.2, NM_001354679.2, NM_001354680.2 and 1 more transcripts); c.1268C>G, p.Ala423Gly (NM_001354676.2); c.1259C>G, p.Ala420Gly (NM_001354678.2); short protein forms A420G, A404G, A423G.
Identifiers: ClinVar variation 864015 (VCV000864015.4), dbSNP rs782150167, ClinGen allele CA2452111.
Genomic context (GRCh38, chr3:53,186,291, plus strand): 5'-TGGTCCTGATCGACGACGACGTGGAGTGCACCATGGTTGAGAAGCGGGTGCTGACACTTG[C>G]CGCAGAGAATCCCTTTCTCACCCACCTCATCTGCACCTTCCAGACCAAGGTGCCCGGGCC-3'
Protein context (NP_006245.2, residues 394-414): TMVEKRVLTL[Ala404Gly]AENPFLTHLI

ClinVar aggregate classification (germline): Uncertain significance. Review status: criteria provided, multiple submitters, no conflicts (2 of 4 stars). 2 submissions from 2 submitters: Uncertain significance (2). Last evaluated 2023-02-15.

Conditions:
Inborn genetic diseases. Identifiers: MedGen C0950123, MeSH D030342.
Autoimmune lymphoproliferative syndrome, type III caused by mutation in PRKCD. Identifiers: Orphanet 3261, Orphanet 664711, MedGen C3809928, MONDO:8000024, OMIM 615559.

Allele frequency attached by ClinVar (database versions not stated): ExAC 0.00001.
gnomAD v4.1: 8 of 1,614,174 alleles (0.0005%); highest among the groups gnomAD compares: South Asian, 0.0088%; no homozygotes.

Submissions (2):

Ambry Genetics
Classification: Uncertain significance for Inborn genetic diseases. Last evaluated: 2023-02-15. Review status: criteria provided, single submitter. Criteria: Ambry Variant Classification Scheme 2023. Collection method: clinical testing. Allele origin: germline.

Labcorp Genetics (formerly Invitae), Labcorp
Classification: Uncertain significance for Autoimmune lymphoproliferative syndrome, type III caused by mutation in PRKCD. Last evaluated: 2021-09-01. Review status: criteria provided, single submitter. Criteria: Invitae Variant Classification Sherloc (09022015). Collection method: clinical testing. Allele origin: germline.
Comment: This sequence change replaces alanine with glycine at codon 404 of the PRKCD protein (p.Ala404Gly). The alanine residue is highly conserved and there is a small physicochemical difference between alanine and glycine. This variant is present in population databases (rs782150167, ExAC 0.006%). This variant has not been reported in the literature in individuals affected with PRKCD-related conditions. Algorithms developed to predict the effect of missense changes on protein structure and function are either unavailable or do not agree on the potential impact of this missense change (SIFT: "Deleterious"; PolyPhen-2: "Benign"; Align-GVGD: "Class C55"). In summary, the available evidence is currently insufficient to determine the role of this variant in disease. Therefore, it has been classified as a Variant of Uncertain Significance.